The following is an entry in ClinVar:

ClinVar aggregate classification (germline): Uncertain significance. Review status: criteria provided, multiple submitters, no conflicts (2 of 4 stars). 2 submissions from 2 submitters: Uncertain significance (2). Last evaluated 2026-01-25.

Conditions:
Inborn genetic diseases. Identifiers: MedGen C0950123, MeSH D030342.

Allele frequency attached by ClinVar (database versions not stated): gnomAD exomes below 0.00001 and 0.00001; ExAC 0.00001; gnomAD 0.00001; TOPMed 0.00003.
gnomAD v4.1: 17 of 1,612,252 alleles (0.0011%); highest among the groups gnomAD compares: East Asian, 0.0045%; no homozygotes.

Submissions (2):

Labcorp Genetics (formerly Invitae), Labcorp
Classification: Uncertain significance. Last evaluated: 2026-01-25. Review status: criteria provided, single submitter. Criteria: Invitae Variant Classification Sherloc (09022015). Collection method: clinical testing. Allele origin: germline.
Comment: This sequence change replaces leucine, which is neutral and non-polar, with serine, which is neutral and polar, at codon 274 of the TFRC protein (p.Leu274Ser). This variant is present in population databases (rs372946953, gnomAD 0.006%). This variant has not been reported in the literature in individuals affected with TFRC-related conditions. ClinVar contains an entry for this variant (Variation ID: 1400474). Invitae Evidence Modeling of protein sequence and biophysical properties (such as structural, functional, and spatial information, amino acid conservation, physicochemical variation, residue mobility, and thermodynamic stability) indicates that this missense variant is not expected to disrupt TFRC protein function with a negative predictive value of 80%. In summary, the available evidence is currently insufficient to determine the role of this variant in disease. Therefore, it has been classified as a Variant of Uncertain Significance.

Ambry Genetics
Classification: Uncertain significance for Inborn genetic diseases. Last evaluated: 2022-06-28. Review status: criteria provided, single submitter. Criteria: Ambry Variant Classification Scheme 2023. Collection method: clinical testing. Allele origin: germline.

NM_001128148.3(TFRC):c.821T>C (p.Leu274Ser)

Gene: TFRC (transferrin receptor; minus strand). Cytogenetic location: 3q29.
Variant type: single nucleotide variant.
Coding change: c.821T>C on transcript NM_001128148.3 (MANE Select); coding-DNA position 821, T replaced by C.
Protein change: p.Leu274Ser; replaces leucine 274 with serine.
Molecular consequence: missense variant. On other transcripts: 5 prime UTR variant (1).
Genome position (GRCh38, 1-based): chr3:196,068,111, A>G on the plus strand (T>C on the coding strand, the complement: TFRC is on the minus strand). VCF-style: chr3-196068111-A-G. GRCh37 (hg19) VCF-style: chr3-195794982-A-G.
Other names: c.578T>C, p.Leu193Ser (NM_001313965.2); c.-26T>C (NM_001313966.2); c.821T>C, p.Leu274Ser (NM_003234.4); c.821T>C (NM_003234.2); short protein forms L193S, L274S.
Identifiers: ClinVar variation 1400474 (VCV001400474.7), dbSNP rs372946953, ClinGen allele CA2778166.